The following is an entry in ClinVar:

ClinVar aggregate classification (germline): Likely pathogenic (1 of 4 stars; one submission).

Conditions:
Autosomal recessive limb-girdle muscular dystrophy type 2A (LGMDR1). Also called: MUSCULAR DYSTROPHY, PELVOFEMORAL; Limb-girdle muscular dystrophy, type 2A; LEYDEN-MOEBIUS MUSCULAR DYSTROPHY; Muscular dystrophy, limb-girdle, type 2A, Amish; Calpainopathy. Identifiers: Orphanet 267, MedGen C1869123, MONDO:0009675, OMIM 253600. Disease mechanism: loss of function.

gnomAD v4.1: 8 of 1,613,872 alleles (0.0005%); no homozygotes.

Submission:

Neuberg Centre For Genomic Medicine, NCGM
Classification: Likely pathogenic for Autosomal recessive limb-girdle muscular dystrophy type 2A. Last evaluated: 2023-06-02. Review status: criteria provided, single submitter. Criteria: ACMG Guidelines, 2015. Collection method: clinical testing. Allele origin: germline. Inheritance: Autosomal recessive inheritance. Affected: yes.
Comment: The observed stop gained variant c.2235C>G(p.Tyr745Ter) in CAPN3 gene has not been reported previously as a pathogenic variant nor as a benign variant, to our knowledge. The c.2235C>G(p.Tyr745Ter) variant is reported with 0.001% allele frequecny in gnomAD Exomes. Computational evidence (Mutation Taster - Disease causing) predicts damaging effect on protein structure and function for this variant.This variant is predicted to cause loss of normal protein function through protein truncation. Loss of function variants have been previously reported to be disease causing (Sáenz A, et al., 2005). For these reasons, this variant has been classified as Likely Pathogenic.

NM_000070.3(CAPN3):c.2235C>G (p.Tyr745Ter)

Gene: CAPN3 (calpain 3; plus strand). Cytogenetic location: 15q15.1.
Variant type: single nucleotide variant.
Coding change: c.2235C>G on transcript NM_000070.3 (MANE Select); coding-DNA position 2235, C replaced by G.
Protein change: p.Tyr745Ter; replaces tyrosine 745 with a stop codon.
Molecular consequence: nonsense.
Genome position (GRCh38, 1-based): chr15:42,410,638, C>G. VCF-style: chr15-42410638-C-G. GRCh37 (hg19) VCF-style: chr15-42702836-C-G.
Other names: c.2217C>G, p.Tyr739Ter (NM_024344.2); c.1959C>G, p.Tyr653Ter (NM_173087.2); c.699C>G, p.Tyr233Ter (NM_173088.2); c.240C>G, p.Tyr80Ter (NM_173089.2, NM_173090.2); short protein forms Y233*, Y653*, Y739*, Y745*, Y80*.
Identifiers: ClinVar variation 3362318 (VCV003362318.3).